The following is an entry in ClinVar:

NM_000288.4(PEX7):c.297del (p.Ala100fs)

Gene: PEX7 (peroxisomal biogenesis factor 7; plus strand). Cytogenetic location: 6q23.3.
Variant type: Deletion.
Coding change: c.297del on transcript NM_000288.4 (MANE Select); coding-DNA position 297, one base deleted (A; older notation c.297delA).
Protein change: p.Ala100fs; shifts the reading frame from alanine 100.
Molecular consequence: frameshift variant.
Genome position (GRCh38, 1-based): chr6:136,826,427, A deleted; the last of 3 consecutive A bases (chr6:136,826,425-136,826,427); deleting any one gives the same sequence. VCF-style (leftmost placement, unchanged base first): chr6-136826424-CA-C. GRCh37 (hg19) VCF-style: chr6-137147562-CA-C.
Other names: c.183delA, p.Ala62Leufs (NM_001410945.1); short protein forms A100fs.
Identifiers: ClinVar variation 1726732 (VCV001726732.2), dbSNP rs2548072160, ClinGen allele CA2580075091.

ClinVar aggregate classification (germline): Likely pathogenic (1 of 4 stars; one submission).

Conditions:
Rhizomelic chondrodysplasia punctata type 1 (RCDP1). Also called: PEROXISOME BIOGENESIS DISORDER 9; CHONDRODYSTROPHIA CALCIFICANS PUNCTATA; PEX7-Related Rhizomelic Chondrodysplasia Punctata. Identifiers: Orphanet 177, Orphanet 309789, MedGen C1859133, MONDO:0008972, OMIM 215100. Disease mechanism: loss of function.

Submission:

Myriad Genetics, Inc.
Classification: Likely pathogenic for Rhizomelic chondrodysplasia punctata type 1. Last evaluated: 2021-12-31. Review status: criteria provided, single submitter. Criteria: Myriad Women's Health Autosomal Recessive and X-Linked Classification Criteria (2021). Collection method: clinical testing. Allele origin: unknown.
Comment: NM_000288.3(PEX7):c.297delA(A100Lfs*81) is expected to be pathogenic in the context of rhizomelic chondrodysplasia punctata type 1. This variant is predicted to lead to an abnormal or absent protein product due to the creation of a premature termination codon in PEX7, a gene where loss-of-function variants are known to be pathogenic. Please note: this variant was assessed in the context of healthy population screening.